The following is an entry in ClinVar:

NM_001377229.1(DISP1):c.598A>G (p.Ile200Val)

Gene: DISP1 (dispatched RND transporter family member 1; plus strand). Cytogenetic location: 1q41.
Variant type: single nucleotide variant.
Coding change: c.598A>G on transcript NM_001377229.1 (MANE Select); coding-DNA position 598, A replaced by G.
Protein change: p.Ile200Val; replaces isoleucine 200 with valine.
Molecular consequence: missense variant. On other transcripts: 5 prime UTR variant (1).
Genome position (GRCh38, 1-based): chr1:222,990,683, A>G. VCF-style: chr1-222990683-A-G. GRCh37 (hg19) VCF-style: chr1-223164025-A-G.
Other names: c.-290A>G (NM_001350630.2); c.598A>G, p.Ile200Val (NM_001369594.1, NM_001377228.1, NM_032890.5); short protein forms I200V.
Identifiers: ClinVar variation 4977933 (VCV004977933.1).

ClinVar aggregate classification (germline): Uncertain significance (1 of 4 stars; one submission).

Conditions:
DISP1-related disorder. Also called: DISP1-related condition.

gnomAD v4.1: 2 of 1,614,016 alleles (0.00012%); highest among the groups gnomAD compares: African/African-American, 0.0013%; no homozygotes.

Submission:

PreventionGenetics, part of Exact Sciences
Classification: Uncertain significance for DISP1-related condition. Last evaluated: 2025-05-23. Review status: criteria provided, single submitter. Criteria: ACMG Guidelines, 2015. Collection method: clinical testing. Allele origin: germline.
Comment: The DISP1 c.598A>G variant is predicted to result in the amino acid substitution p.Ile200Val. To our knowledge, this variant has not been reported in the literature. This variant is reported in 0.011% of alleles in individuals of African descent in gnomAD. At this time, the clinical significance of this variant is uncertain due to the absence of conclusive functional and genetic evidence.